The following is an entry in ClinVar:

ClinVar aggregate classification (germline): Uncertain significance (1 of 4 stars; one submission).

gnomAD v4.1: 5 of 1,614,146 alleles (0.00031%); highest among the groups gnomAD compares: Non-Finnish European, 0.00042%; no homozygotes.

Submission:

GeneDx
Classification: Uncertain significance. Last evaluated: 2024-02-05. Review status: criteria provided, single submitter. Criteria: GeneDx Variant Classification Process June 2021. Collection method: clinical testing. Allele origin: germline. Affected: yes.
Comment: Not observed at significant frequency in large population cohorts (gnomAD); In silico analysis supports that this missense variant has a deleterious effect on protein structure/function; Has not been previously published as pathogenic or benign to our knowledge

NM_001020658.2(PUM1):c.200G>T (p.Gly67Val)

Gene: PUM1 (pumilio RNA binding family member 1; minus strand). Cytogenetic location: 1p35.2.
Variant type: single nucleotide variant.
Coding change: c.200G>T on transcript NM_001020658.2 (MANE Select); coding-DNA position 200, G replaced by T.
Protein change: p.Gly67Val; replaces glycine 67 with valine.
Molecular consequence: missense variant.
Genome position (GRCh38, 1-based): chr1:31,059,367, C>A on the plus strand (G>T on the coding strand, the complement: PUM1 is on the minus strand). VCF-style: chr1-31059367-C-A. GRCh37 (hg19) VCF-style: chr1-31532214-C-A.
Other names: c.200G>T, p.Gly67Val (NM_014676.3); short protein forms G67V.
Identifiers: ClinVar variation 3368831 (VCV003368831.1).